The following is an entry in ClinVar:

ClinVar aggregate classification (germline): Uncertain significance. Review status: reviewed by expert panel (3 of 4 stars). 2 submissions from 2 submitters: Uncertain significance (1). 1 of the submissions does not count toward it. Last evaluated 2025-07-14.

Conditions:
Inborn genetic diseases. Identifiers: MedGen C0950123, MeSH D030342.
Hereditary thrombocytopenia and hematologic cancer predisposition syndrome. Identifiers: Orphanet 71290, MedGen CN281654, MONDO:0011071.

Submissions (2):

ClinGen Myeloid Malignancy Variant Curation Expert Panel
Classification: Uncertain significance for Hereditary thrombocytopenia and hematologic cancer predisposition syndrome. Last evaluated: 2025-07-14. Review status: reviewed by expert panel. Criteria: ClinGen MyeloMalig ACMG Specifications v2. Collection method: curation. Allele origin: germline. Inheritance: Autosomal dominant inheritance.
Comment: NM_001754.5(RUNX1):c.637C>G (p.Gln213Glu) is a missense variant which is completely absent from all population databases with at least 20x coverage for RUNX1 (PM2_Supporting). In summary, the clinical significance of this variant is uncertain. ACMG/AMP criteria applied, as specified by the Myeloid Malignancy Variant Curation Expert Panel for RUNX1: PM2_supporting.

Ambry Genetics
Classification: Uncertain significance for Inborn genetic diseases. Last evaluated: 2025-02-15. Review status: criteria provided, single submitter. Criteria: Ambry Variant Classification Scheme 2023. Collection method: clinical testing. Allele origin: germline. Not counted in ClinVar's aggregate classification.
Comment: The p.Q213E variant (also known as c.637C>G), located in coding exon 6 of the RUNX1 gene, results from a C to G substitution at nucleotide position 637. The glutamine at codon 213 is replaced by glutamic acid, an amino acid with highly similar properties. This amino acid position is conserved. In addition, the in silico prediction for this alteration is inconclusive. Based on the available evidence, the clinical significance of this variant remains unclear.

NM_001754.5(RUNX1):c.637C>G (p.Gln213Glu)

Gene: RUNX1 (RUNX family transcription factor 1; minus strand). Cytogenetic location: 21q22.12.
Variant type: single nucleotide variant.
Coding change: c.637C>G on transcript NM_001754.5 (MANE Select); coding-DNA position 637, C replaced by G.
Protein change: p.Gln213Glu; replaces glutamine 213 with glutamic acid.
Molecular consequence: missense variant.
Genome position (GRCh38, 1-based): chr21:34,834,578, G>C on the plus strand (C>G on the coding strand, the complement: RUNX1 is on the minus strand). VCF-style: chr21-34834578-G-C. GRCh37 (hg19) VCF-style: chr21-36206875-G-C.
Other names: NM_001754.5(RUNX1):c.637C>G; p.Gln213Glu; c.556C>G, p.Gln186Glu (NM_001001890.3, NM_001122607.2); short protein forms Q213E, Q186E.
Identifiers: ClinVar variation 3791512 (VCV003791512.1).